The following is an entry in ClinVar:

ClinVar aggregate classification (germline): Uncertain significance (1 of 4 stars; one submission).

Allele frequency attached by ClinVar (database versions not stated): gnomAD exomes below 0.00001; ExAC 0.00001; gnomAD 0.00001.

Submission:

Ambry Genetics
Classification: Uncertain significance. Last evaluated: 2024-11-22. Review status: criteria provided, single submitter. Criteria: Ambry Variant Classification Scheme 2023. Collection method: clinical testing. Allele origin: germline.
Comment: The p.Q200R variant (also known as c.599A>G), located in coding exon 1 of the MLH3 gene, results from an A to G substitution at nucleotide position 599. The glutamine at codon 200 is replaced by arginine, an amino acid with highly similar properties. This amino acid position is conserved. In addition, this alteration is predicted to be deleterious by in silico analysis. Since supporting evidence is limited at this time, the clinical significance of this alteration remains unclear.

NM_001040108.2(MLH3):c.599A>G (p.Gln200Arg)

Gene: MLH3 (mutL homolog 3; minus strand). Cytogenetic location: 14q24.3.
Variant type: single nucleotide variant.
Coding change: c.599A>G on transcript NM_001040108.2 (MANE Select); coding-DNA position 599, A replaced by G.
Protein change: p.Gln200Arg; replaces glutamine 200 with arginine.
Molecular consequence: missense variant.
Genome position (GRCh38, 1-based): chr14:75,049,057, T>C on the plus strand (A>G on the coding strand, the complement: MLH3 is on the minus strand). VCF-style: chr14-75049057-T-C. GRCh37 (hg19) VCF-style: chr14-75515760-T-C.
Other names: c.599A>G, p.Gln200Arg (NM_014381.3); short protein forms Q200R.
Identifiers: ClinVar variation 1750929 (VCV001750929.3), dbSNP rs767928433, ClinGen allele CA7276004.